The following is an entry in ClinVar:

NM_001035.3(RYR2):c.12687G>A (p.Gln4229=)

Genes: RYR2 (ryanodine receptor 2; plus strand), LOC126806068 (BRD4-independent group 4 enhancer GRCh37_chr1:237947411-237948610; plus strand). Cytogenetic location: 1q43.
Variant type: single nucleotide variant.
Coding change: c.12687G>A on transcript NM_001035.3 (MANE Select); coding-DNA position 12687, G replaced by A.
Protein change: p.Gln4229=; no amino-acid change (glutamine 4229 retained).
Molecular consequence: synonymous variant.
Genome position (GRCh38, 1-based): chr1:237,784,399, G>A. VCF-style: chr1-237784399-G-A. GRCh37 (hg19) VCF-style: chr1-237947699-G-A.
Identifiers: ClinVar variation 3074137 (VCV003074137.1), dbSNP rs1695379751, ClinGen allele CA424032192.

ClinVar aggregate classification (germline): Likely benign (1 of 4 stars; one submission).

Conditions:
Catecholaminergic polymorphic ventricular tachycardia (CVPT). Also called: Catecholamine-induced polymorphic ventricular tachycardia. Identifiers: Orphanet 3286, MedGen C5574922, MONDO:0017990.

Allele frequency attached by ClinVar (database versions not stated): gnomAD exomes below 0.00001; TOPMed below 0.00001.
gnomAD v4.1: 3 of 1,613,998 alleles (0.00019%); highest among the groups gnomAD compares: African/African-American, 0.0013%; no homozygotes.

Submission:

All of Us Research Program, National Institutes of Health
Classification: Likely benign for Catecholaminergic polymorphic ventricular tachycardia. Last evaluated: 2023-10-23. Review status: criteria provided, single submitter. Criteria: ACMG Guidelines, 2015. Collection method: clinical testing. Allele origin: germline. Inheritance: Autosomal dominant inheritance. Observed: 1 variant allele, 1 heterozygote.
Comment: This study involves interpretation of variants in research participants for the purpose of population health screening. Participant phenotype was not available at the time of variant classification. Additional details can be found in publication PMID: 35346344, PMCID: PMC8962531